The following is an entry in ClinVar:

NM_206933.4(USH2A):c.13802C>T (p.Pro4601Leu)

Gene: USH2A (usherin; minus strand). Cytogenetic location: 1q41.
Variant type: single nucleotide variant.
Coding change: c.13802C>T on transcript NM_206933.4 (MANE Select); coding-DNA position 13802, C replaced by T.
Protein change: p.Pro4601Leu; replaces proline 4601 with leucine.
Molecular consequence: missense variant.
Genome position (GRCh38, 1-based): chr1:215,674,109, G>A on the plus strand (C>T on the coding strand, the complement: USH2A is on the minus strand). VCF-style: chr1-215674109-G-A. GRCh37 (hg19) VCF-style: chr1-215847451-G-A.
Other names: c.13802C>T (NM_206933.3); short protein forms P4601L.
Identifiers: ClinVar variation 1311432 (VCV001311432.12), dbSNP rs1176215017, ClinGen allele CA344843227.

ClinVar aggregate classification (germline): Uncertain significance. Review status: criteria provided, multiple submitters, no conflicts (2 of 4 stars). 5 submissions from 4 submitters: Uncertain significance (5). Last evaluated 2023-11-04.

Conditions:
Retinitis pigmentosa 39 (RP39). Identifiers: Orphanet 791, MedGen C3151138, MONDO:0013436, OMIM 613809.
Usher syndrome type 2A. Also called: RETINAL DISEASE IN USHER SYNDROME TYPE IIA, MODIFIER OF; USHER SYNDROME, TYPE IIA. Identifiers: Orphanet 231178, Orphanet 886, MedGen C1848634, MONDO:0010169, OMIM 276901.

Allele frequency attached by ClinVar (database versions not stated): TOPMed below 0.00001; gnomAD 0.00001; gnomAD exomes 0.00001.
gnomAD v4.1: 10 of 1,613,870 alleles (0.00062%); highest among the groups gnomAD compares: Non-Finnish European, 0.00085%; no homozygotes.

Submissions (5):

Genome-Nilou Lab
Classification: Uncertain significance for Retinitis pigmentosa 39. Last evaluated: 2023-11-04. Review status: criteria provided, single submitter. Criteria: ACMG Guidelines, 2015. Collection method: clinical testing. Allele origin: germline. Affected: no.

Genome-Nilou Lab
Classification: Uncertain significance for Usher syndrome type 2A. Last evaluated: 2023-11-04. Review status: criteria provided, single submitter. Criteria: ACMG Guidelines, 2015. Collection method: clinical testing. Allele origin: germline. Affected: no.

Greenwood Genetic Center Diagnostic Laboratories, Greenwood Genetic Center
Classification: Uncertain significance. Last evaluated: 2023-08-21. Review status: criteria provided, single submitter. Criteria: ACMG Guidelines, 2015. Collection method: clinical testing. Allele origin: germline. Affected: yes.
Comment: PM2, PP3

Labcorp Genetics (formerly Invitae), Labcorp
Classification: Uncertain significance. Last evaluated: 2022-07-25. Review status: criteria provided, single submitter. Criteria: Invitae Variant Classification Sherloc (09022015). Collection method: clinical testing. Allele origin: germline.
Comment: This sequence change replaces proline, which is neutral and non-polar, with leucine, which is neutral and non-polar, at codon 4601 of the USH2A protein (p.Pro4601Leu). This variant is not present in population databases (gnomAD no frequency). This variant has not been reported in the literature in individuals affected with USH2A-related conditions. ClinVar contains an entry for this variant (Variation ID: 1311432). Algorithms developed to predict the effect of missense changes on protein structure and function (SIFT, PolyPhen-2, Align-GVGD) all suggest that this variant is likely to be disruptive. In summary, the available evidence is currently insufficient to determine the role of this variant in disease. Therefore, it has been classified as a Variant of Uncertain Significance.

GeneDx
Classification: Uncertain significance. Last evaluated: 2021-12-27. Review status: criteria provided, single submitter. Criteria: GeneDx Variant Classification Process June 2021. Collection method: clinical testing. Allele origin: germline. Affected: yes.
Comment: Not observed at significant frequency in large population cohorts (gnomAD); In silico analysis, which includes protein predictors and evolutionary conservation, supports a deleterious effect; Has not been previously published as pathogenic or benign to our knowledge